The following is an entry in ClinVar:

ClinVar aggregate classification (germline): Uncertain significance (1 of 4 stars; one submission).

Conditions:
Marfan syndrome (MFS). Also called: MARFAN SYNDROME, TYPE I; Marfan syndrome type 1; Marfan's syndrome; FBN1-Related Marfan Syndrome; Marfan syndrome, classic. Identifiers: Orphanet 284963, Orphanet 558, MedGen C0024796, MONDO:0007947, OMIM 154700.

Submission:

All of Us Research Program, National Institutes of Health
Classification: Uncertain significance for Marfan syndrome. Last evaluated: 2024-08-06. Review status: criteria provided, single submitter. Criteria: ACMG Guidelines, 2015. Collection method: clinical testing. Allele origin: germline. Inheritance: Autosomal dominant inheritance. Observed: 1 variant allele, 1 heterozygote.
Comment: This study involves interpretation of variants in research participants for the purpose of population health screening. Participant phenotype was not available at the time of variant classification. Additional details can be found in publication PMID: 35346344, PMCID: PMC8962531

NM_000138.5(FBN1):c.1679G>C (p.Gly560Ala)

Gene: FBN1 (fibrillin 1; minus strand). Cytogenetic location: 15q21.1.
Variant type: single nucleotide variant.
Coding change: c.1679G>C on transcript NM_000138.5 (MANE Select); coding-DNA position 1679, G replaced by C.
Protein change: p.Gly560Ala; replaces glycine 560 with alanine.
Molecular consequence: missense variant.
Genome position (GRCh38, 1-based): chr15:48,510,079, C>G on the plus strand (G>C on the coding strand, the complement: FBN1 is on the minus strand). VCF-style: chr15-48510079-C-G. GRCh37 (hg19) VCF-style: chr15-48802276-C-G.
Other names: c.1679G>C, p.Gly560Ala (NM_001406716.1); short protein forms G560A.
Identifiers: ClinVar variation 3386846 (VCV003386846.1).